The following is an entry in ClinVar:

ClinVar aggregate classification (germline): Uncertain significance (0 of 4 stars; one submission).

Conditions:
TRRAP-related disorder. Also called: TRRAP-related condition.

gnomAD v4.1: 5 of 1,613,784 alleles (0.00031%); highest among the groups gnomAD compares: Non-Finnish European, 0.00042%; no homozygotes.

Submission:

PreventionGenetics, part of Exact Sciences
Classification: Uncertain significance for TRRAP-related condition. Last evaluated: 2024-05-31. Review status: no assertion criteria provided. Collection method: clinical testing. Allele origin: germline.
Comment: The TRRAP c.7212C>G variant is predicted to result in the amino acid substitution p.Asn2404Lys. To our knowledge, this variant has not been reported in the literature or in a large population database, indicating this variant is rare. At this time, the clinical significance of this variant is uncertain due to the absence of conclusive functional and genetic evidence.

NM_001375524.1(TRRAP):c.7287C>G (p.Asn2429Lys)

Gene: TRRAP (transformation/transcription domain associated protein; plus strand). Cytogenetic location: 7q22.1.
Variant type: single nucleotide variant.
Coding change: c.7287C>G on transcript NM_001375524.1 (MANE Select); coding-DNA position 7287, C replaced by G.
Protein change: p.Asn2429Lys; replaces asparagine 2429 with lysine.
Molecular consequence: missense variant.
Genome position (GRCh38, 1-based): chr7:98,967,151, C>G. VCF-style: chr7-98967151-C-G. GRCh37 (hg19) VCF-style: chr7-98564774-C-G.
Other names: c.7266C>G, p.Asn2422Lys (NM_001244580.2); c.7212C>G, p.Asn2404Lys (NM_003496.4); short protein forms N2404K, N2422K, N2429K.
Identifiers: ClinVar variation 3344556 (VCV003344556.1).